The following is an entry in ClinVar:

NM_001614.5(ACTG1):c.363+12_363+13delinsAA

Gene: ACTG1 (actin gamma 1; minus strand). Cytogenetic location: 17q25.3.
Variant type: Indel.
Coding change: c.363+12_363+13delinsAA on transcript NM_001614.5 (MANE Select); bases 12 to 13 of the intron after coding-DNA position 363, CC replaced by AA.
Molecular consequence: intron variant.
Genome position (GRCh38, 1-based): chr17:81,511,890-81,511,891, GG replaced by TT on the plus strand (CC replaced by AA on the coding strand, the reverse complement: ACTG1 is on the minus strand). VCF-style: chr17-81511890-GG-TT. GRCh37 (hg19) VCF-style: chr17-79478916-GG-TT.
Other names: c.363+12_363+13delinsAA (NM_001199954.3).
Identifiers: ClinVar variation 3063615 (VCV003063615.1), dbSNP rs2544391437, ClinGen allele CA2740090865.

ClinVar aggregate classification (germline): Likely benign (1 of 4 stars; one submission).

Submission:

Women's Health and Genetics/Laboratory Corporation of America, LabCorp
Classification: Likely benign. Last evaluated: 2024-01-22. Review status: criteria provided, single submitter. Criteria: LabCorp Variant Classification Summary - May 2015. Collection method: clinical testing. Allele origin: germline.
Comment: Variant summary: ACTG1 c.363+12_363+13delinsAA alters a nucleotide located at a position not widely known to affect splicing. The variant is a multi-nucleotide change consisting of c.363+12C>A and c.363+13C>A. Consensus agreement among computation tools predict no significant impact on normal splicing. However, these predictions have yet to be confirmed by functional studies. The variant allele was assumed to be found at a frequency of 4e-06 in 250172 control chromosomes based on the frequency of the rare c.363+12C>A variant. The available data on variant occurrences in the general population are insufficient to allow any conclusion about variant significance. To our knowledge, no occurrence of c.363+12_363+13delinsAA in individuals affected with ACTG1-Related Disorders and no experimental evidence demonstrating its impact on protein function have been reported. No submitters have cited clinical-significance assessments for this variant to ClinVar. Based on the evidence outlined above, the variant was classified as likely benign.